The following is an entry in ClinVar:

NM_006231.4(POLE):c.2266G>T (p.Asp756Tyr)

Gene: POLE (DNA polymerase epsilon, catalytic subunit; minus strand). Cytogenetic location: 12q24.33.
Variant type: single nucleotide variant.
Coding change: c.2266G>T on transcript NM_006231.4 (MANE Select); coding-DNA position 2266, G replaced by T.
Protein change: p.Asp756Tyr; replaces aspartic acid 756 with tyrosine.
Molecular consequence: missense variant.
Genome position (GRCh38, 1-based): chr12:132,667,556, C>A on the plus strand (G>T on the coding strand, the complement: POLE is on the minus strand). VCF-style: chr12-132667556-C-A. GRCh37 (hg19) VCF-style: chr12-133244142-C-A.
Other names: c.2266G>T (NM_006231.2); short protein forms D756Y.
Identifiers: ClinVar variation 2044524 (VCV002044524.5), dbSNP rs2135969935, ClinGen allele CA387352176.

ClinVar aggregate classification (germline): Uncertain significance. Review status: criteria provided, multiple submitters, no conflicts (2 of 4 stars). 2 submissions from 2 submitters: Uncertain significance (2). Last evaluated 2026-06-30.

Conditions:
Hereditary cancer-predisposing syndrome. Also called: Hereditary neoplastic syndrome; Neoplastic Syndromes, Hereditary; Tumor predisposition; Hereditary Cancer Syndrome. Identifiers: Orphanet 140162, MedGen C0027672, MeSH D009386, MONDO:0015356.

Submissions (2):

Ambry Genetics
Classification: Uncertain significance for Hereditary cancer-predisposing syndrome. Last evaluated: 2026-06-30. Review status: criteria provided, single submitter. Criteria: Ambry Variant Classification Scheme 2023. Collection method: clinical testing. Allele origin: germline.
Comment: The p.D756Y variant (also known as c.2266G>T), located in coding exon 20 of the POLE gene, results from a G to T substitution at nucleotide position 2266. The aspartic acid at codon 756 is replaced by tyrosine, an amino acid with highly dissimilar properties. This amino acid position is conserved. In addition, this alteration is predicted to be deleterious by in silico analysis. Based on the available evidence, the clinical significance of this variant remains unclear.

Labcorp Genetics (formerly Invitae), Labcorp
Classification: Uncertain significance. Last evaluated: 2022-11-29. Review status: criteria provided, single submitter. Criteria: Invitae Variant Classification Sherloc (09022015). Collection method: clinical testing. Allele origin: germline.
Comment: Advanced modeling of protein sequence and biophysical properties (such as structural, functional, and spatial information, amino acid conservation, physicochemical variation, residue mobility, and thermodynamic stability) performed at Invitae indicates that this missense variant is expected to disrupt POLE protein function. In summary, the available evidence is currently insufficient to determine the role of this variant in disease. Therefore, it has been classified as a Variant of Uncertain Significance. This sequence change replaces aspartic acid, which is acidic and polar, with tyrosine, which is neutral and polar, at codon 756 of the POLE protein (p.Asp756Tyr). This variant is not present in population databases (gnomAD no frequency). This variant has not been reported in the literature in individuals affected with POLE-related conditions.